The following is an entry in ClinVar:

ClinVar aggregate classification (germline): Uncertain significance. Review status: criteria provided, multiple submitters, no conflicts (2 of 4 stars). 6 submissions from 6 submitters: Uncertain significance (5). 1 of the submissions does not count toward it. Last evaluated 2026-04-28.

Conditions:
FGB-related disorder. Also called: FGB-related condition.
Familial dysfibrinogenemia. Also called: Dysfibrinogenemia, congenital. Identifiers: Orphanet 335, Orphanet 98881, MedGen C0272350, MONDO:0014452, OMIM 616004.
Congenital afibrinogenemia. Identifiers: Orphanet 335, Orphanet 98880, MedGen C2584774, MONDO:0008737, OMIM 202400.

Allele frequency attached by ClinVar (database versions not stated): gnomAD exomes 0.00002 and 0.00001; TOPMed below 0.00001; gnomAD 0.00001; ExAC 0.00002.
gnomAD v4.1: 14 of 1,614,080 alleles (0.00087%); highest among the groups gnomAD compares: Non-Finnish European, 0.0012%; no homozygotes.

Submissions (6):

Women's Health and Genetics/Laboratory Corporation of America, LabCorp
Classification: Uncertain significance. Last evaluated: 2026-04-28. Review status: criteria provided, single submitter. Criteria: LabCorp Variant Classification Summary - May 2015. Collection method: clinical testing. Allele origin: germline.
Comment: Variant summary: FGB c.656A>G (p.Gln219Arg) results in a conservative amino acid change located in the Fibrinogen, alpha/beta/gamma chain, coiled coil domain (IPR012290) of the encoded protein sequence. Four of five in-silico tools predict a damaging effect of the variant on protein function. The variant allele was found at a frequency of 1.6e-05 in 251116 control chromosomes. c.656A>G has been reported in the literature in heterozygous individuals affected with Hypofibrinogenemia (Marchi_2012, Smith_2018). These data indicate that the variant may be associated with disease. To our knowledge, no experimental evidence demonstrating an impact on protein function has been reported. The following publications have been ascertained in the context of this evaluation (PMID: 22836883, 30349899). ClinVar contains an entry for this variant (Variation ID: 1163448). Based on the evidence outlined above, the variant was classified as VUS-possibly pathogenic.

GeneDx
Classification: Uncertain significance. Last evaluated: 2025-01-21. Review status: criteria provided, single submitter. Criteria: GeneDx Variant Classification Process June 2021. Collection method: clinical testing. Allele origin: germline. Affected: yes.
Comment: In silico analysis supports that this missense variant does not alter protein structure/function; This variant is associated with the following publications: (PMID: 30349899, 22836883)

Fulgent Genetics
Classification: Uncertain significance for Congenital afibrinogenemia; Familial dysfibrinogenemia. Last evaluated: 2024-05-29. Review status: criteria provided, single submitter. Criteria: ACMG Guidelines, 2015. Collection method: clinical testing. Allele origin: germline.

Mayo Clinic Laboratories, Mayo Clinic
Classification: Uncertain significance. Last evaluated: 2020-04-10. Review status: criteria provided, single submitter. Criteria: ACMG Guidelines, 2015. Collection method: clinical testing. Allele origin: germline. Observed: 1 variant allele.

ISTH-SSC Genomics in Thrombosis and Hemostasis, KU Leuven, Center for Molecular and Vascular Biology
Classification: Uncertain significance for Congenital afibrinogenemia. Review status: criteria provided, single submitter. Criteria: ACMG Guidelines, 2015. Collection method: clinical testing. Allele origin: germline. Affected: yes. Observed: 2 heterozygotes. Clinical features observed: Hypofibrinogenemia.
Comment: GoldVariant submitter: Juliana Perez Botero Versiti Diagnostic Laboratories, USA

PreventionGenetics, part of Exact Sciences
Classification: Uncertain significance for FGB-related condition. Last evaluated: 2024-08-21. Review status: no assertion criteria provided. Collection method: clinical testing. Allele origin: germline. Not counted in ClinVar's aggregate classification.
Comment: The FGB c.656A>G variant is predicted to result in the amino acid substitution p.Gln219Arg. This variant was reported in the heterozygous state in three individuals with hypofibrinogenaemia (Marchi et al. 2012. PubMed ID: 22836883; Table 2. Smith et al. 2018. PubMed ID: 30349899; Supplementary Table 2. Megy et al. 2021. PubMed ID: 34355501). This variant is reported in 0.0035% of alleles in individuals of European (Non-Finnish) descent in gnomAD. Although we suspect that this variant may be pathogenic, at this time, the clinical significance of this variant is uncertain due to the absence of conclusive functional and genetic evidence.

Literature cited by the submitters: PubMed 22836883 (cited by Women's Health and Genetics/Laboratory Corporation of America, LabCorp); PubMed 30349899 (cited by Women's Health and Genetics/Laboratory Corporation of America, LabCorp); PubMed 34355501 (cited by ISTH-SSC Genomics in Thrombosis and Hemostasis, KU Leuven, Center for Molecular and Vascular Biology).

NM_005141.5(FGB):c.656A>G (p.Gln219Arg)

Gene: FGB (fibrinogen beta chain; plus strand). Cytogenetic location: 4q31.3.
Variant type: single nucleotide variant.
Coding change: c.656A>G on transcript NM_005141.5 (MANE Select); coding-DNA position 656, A replaced by G.
Protein change: p.Gln219Arg; replaces glutamine 219 with arginine.
Molecular consequence: missense variant.
Genome position (GRCh38, 1-based): chr4:154,567,758, A>G. VCF-style: chr4-154567758-A-G. GRCh37 (hg19) VCF-style: chr4-155488910-A-G.
Other names: c.479A>G, p.Gln160Arg (NM_001184741.1); c.524A>G, p.Gln175Arg (NM_001382759.1); c.656A>G, p.Gln219Arg (NM_001382760.1, NM_001382761.1, NM_001382762.1 and 3 more transcripts); short protein forms Q160R, Q175R, Q219R.
Identifiers: ClinVar variation 1163448 (VCV001163448.13), dbSNP rs778766319, ClinGen allele CA3114586.